The following is an entry in ClinVar:

ClinVar aggregate classification (germline): Uncertain significance (1 of 4 stars; one submission).

Submission:

Labcorp Genetics (formerly Invitae), Labcorp
Classification: Uncertain significance. Last evaluated: 2025-11-17. Review status: criteria provided, single submitter. Criteria: Invitae Variant Classification Sherloc (09022015). Collection method: clinical testing. Allele origin: germline.
Comment: This sequence change creates a premature translational stop signal (p.Gln1235*) in the ANKRD26 gene. It is expected to result in an absent or disrupted protein product. However, the current clinical and genetic evidence is not sufficient to establish whether loss-of-function variants in ANKRD26 cause disease. This variant is not present in population databases (gnomAD no frequency). This variant has not been reported in the literature in individuals affected with ANKRD26-related conditions. ClinVar contains an entry for this variant (Variation ID: 2768430). Algorithms developed to predict the effect of sequence changes on RNA splicing suggest that this variant may disrupt the consensus splice site. In summary, the available evidence is currently insufficient to determine the role of this variant in disease. Therefore, it has been classified as a Variant of Uncertain Significance.

NM_014915.3(ANKRD26):c.3703C>T (p.Gln1235Ter)

Gene: ANKRD26 (ankyrin repeat domain 26; minus strand). Cytogenetic location: 10p12.1.
Variant type: single nucleotide variant.
Coding change: c.3703C>T on transcript NM_014915.3 (MANE Select); coding-DNA position 3703, C replaced by T.
Protein change: p.Gln1235Ter; replaces glutamine 1235 with a stop codon.
Molecular consequence: nonsense.
Genome position (GRCh38, 1-based): chr10:27,033,329, G>A on the plus strand (C>T on the coding strand, the complement: ANKRD26 is on the minus strand). VCF-style: chr10-27033329-G-A. GRCh37 (hg19) VCF-style: chr10-27322258-G-A.
Other names: c.3700C>T, p.Gln1234Ter (NM_001256053.2); short protein forms Q1234*, Q1235*.
Identifiers: ClinVar variation 2768430 (VCV002768430.3), dbSNP rs2538741277, ClinGen allele CA376361110.